The following is an entry in ClinVar:

ClinVar aggregate classification (germline): Uncertain significance. Review status: criteria provided, multiple submitters, no conflicts (2 of 4 stars). 2 submissions from 2 submitters: Uncertain significance (2). Last evaluated 2024-01-23.

Conditions:
Hereditary cancer-predisposing syndrome. Also called: Hereditary neoplastic syndrome; Hereditary Cancer Syndrome; Neoplastic Syndromes, Hereditary; Tumor predisposition. Identifiers: Orphanet 140162, MedGen C0027672, MeSH D009386, MONDO:0015356.

Submissions (2):

Ambry Genetics
Classification: Uncertain significance for Hereditary cancer-predisposing syndrome. Last evaluated: 2024-01-23. Review status: criteria provided, single submitter. Criteria: Ambry Variant Classification Scheme 2023. Collection method: clinical testing. Allele origin: germline.
Comment: The p.V131I variant (also known as c.391G>A), located in coding exon 5 of the PMS2 gene, results from a G to A substitution at nucleotide position 391. The valine at codon 131 is replaced by isoleucine, an amino acid with highly similar properties. This amino acid position is not well conserved in available vertebrate species. In addition, the in silico prediction for this alteration is inconclusive. Based on the available evidence, the clinical significance of this alteration remains unclear.

Color Diagnostics, LLC DBA Color Health
Classification: Uncertain significance for Hereditary cancer-predisposing syndrome. Last evaluated: 2023-04-12. Review status: criteria provided, single submitter. Criteria: ACMG Guidelines, 2015. Collection method: clinical testing. Allele origin: germline.
Comment: This missense variant replaces valine with isoleucine at codon 131 of the PMS2 protein. Computational prediction suggests that this variant may not impact protein structure and function (internally defined REVEL score threshold <= 0.5, PMID: 27666373). To our knowledge, functional studies have not been reported for this variant. This variant has not been reported in individuals affected with PMS2-related disorders in the literature. This variant has not been identified in the general population by the Genome Aggregation Database (gnomAD). The available evidence is insufficient to determine the role of this variant in disease conclusively. Therefore, this variant is classified as a Variant of Uncertain Significance.

NM_000535.7(PMS2):c.391G>A (p.Val131Ile)

Gene: PMS2 (PMS1 homolog 2, mismatch repair system component; minus strand). Cytogenetic location: 7p22.1.
Variant type: single nucleotide variant.
Coding change: c.391G>A on transcript NM_000535.7 (MANE Select); coding-DNA position 391, G replaced by A.
Protein change: p.Val131Ile; replaces valine 131 with isoleucine.
Molecular consequence: missense variant. On other transcripts: 5 prime UTR variant (29), non-coding transcript variant (1), intron variant (1).
Genome position (GRCh38, 1-based): chr7:6,002,599, C>T on the plus strand (G>A on the coding strand, the complement: PMS2 is on the minus strand). VCF-style: chr7-6002599-C-T. GRCh37 (hg19) VCF-style: chr7-6042230-C-T.
Other names: c.-15G>A (NM_001018040.1, NM_001322003.2, NM_001322004.2 and 25 more transcripts); c.391G>A, p.Val131Ile (NM_001322006.2, NM_001322014.2, NM_001406869.1 and 8 more transcripts); c.73G>A, p.Val25Ile (NM_001322007.2, NM_001322008.2, NM_001406876.1 and 4 more transcripts); c.-494G>A (NM_001322011.2, NM_001322012.2); c.82G>A, p.Val28Ile (NM_001322015.2, NM_001406875.1, NM_001406877.1 and 6 more transcripts); c.577G>A, p.Val193Ile (NM_001406866.1); c.415G>A, p.Val139Ile (NM_001406868.1); c.250+1373G>A (NM_001406885.1); short protein forms V131I, V28I, V139I, V193I, V25I.
Identifiers: ClinVar variation 2774149 (VCV002774149.3), dbSNP rs1583403963, ClinGen allele CA366744442.